The following is an entry in ClinVar:

ClinVar aggregate classification (germline): Uncertain significance. Review status: criteria provided, multiple submitters, no conflicts (2 of 4 stars). 2 submissions from 2 submitters: Uncertain significance (2). Last evaluated 2024-11-11.

Conditions:
Inborn genetic diseases. Identifiers: MedGen C0950123, MeSH D030342.
Myofibrillar myopathy 3 (MFM3). Also called: Muscular dystrophy, proximal, type 1A; Autosomal dominant spheroid body myopathy. Identifiers: Orphanet 266, Orphanet 268129, MedGen C3714934, MONDO:0012215, OMIM 609200.

Allele frequency attached by ClinVar (database versions not stated): gnomAD exomes below 0.00001; gnomAD 0.00001; ExAC 0.00002; TOPMed 0.00002.
gnomAD v4.1: 6 of 1,613,818 alleles (0.00037%); highest among the groups gnomAD compares: East Asian, 0.0045%; no homozygotes.

Submissions (2):

Labcorp Genetics (formerly Invitae), Labcorp
Classification: Uncertain significance for Myofibrillar myopathy 3. Last evaluated: 2024-11-11. Review status: criteria provided, single submitter. Criteria: Invitae Variant Classification Sherloc (09022015). Collection method: clinical testing. Allele origin: germline.
Comment: This sequence change replaces leucine, which is neutral and non-polar, with phenylalanine, which is neutral and non-polar, at codon 492 of the MYOT protein (p.Leu492Phe). This variant is present in population databases (rs764266921, gnomAD 0.006%). This variant has not been reported in the literature in individuals affected with MYOT-related conditions. ClinVar contains an entry for this variant (Variation ID: 3169209). An algorithm developed to predict the effect of missense changes on protein structure and function (PolyPhen-2) suggests that this variant is likely to be disruptive. In summary, the available evidence is currently insufficient to determine the role of this variant in disease. Therefore, it has been classified as a Variant of Uncertain Significance.

Ambry Genetics
Classification: Uncertain significance for Inborn genetic diseases. Last evaluated: 2023-10-24. Review status: criteria provided, single submitter. Criteria: Ambry Variant Classification Scheme 2023. Collection method: clinical testing. Allele origin: germline.

NM_006790.3(MYOT):c.1474C>T (p.Leu492Phe)

Genes: PKD2L2-DT (PKD2L2 divergent transcript; minus strand), MYOT (myotilin; plus strand). Cytogenetic location: 5q31.2.
Variant type: single nucleotide variant.
Coding change: c.1474C>T on transcript NM_006790.3 (MANE Select); coding-DNA position 1474, C replaced by T.
Protein change: p.Leu492Phe; replaces leucine 492 with phenylalanine.
Molecular consequence: missense variant.
Genome position (GRCh38, 1-based): chr5:137,887,362, C>T. VCF-style: chr5-137887362-C-T. GRCh37 (hg19) VCF-style: chr5-137223051-C-T.
Other names: c.922C>T, p.Leu308Phe (NM_001135940.2); c.1129C>T, p.Leu377Phe (NM_001300911.2); short protein forms L308F, L377F, L492F.
Identifiers: ClinVar variation 3169209 (VCV003169209.3), dbSNP rs764266921, ClinGen allele CA3423208.